The following is an entry in ClinVar:

NM_003742.4(ABCB11):c.463A>C (p.Thr155Pro)

Gene: ABCB11 (ATP binding cassette subfamily B member 11; minus strand). Cytogenetic location: 2q31.1.
Variant type: single nucleotide variant.
Coding change: c.463A>C on transcript NM_003742.4 (MANE Select); coding-DNA position 463, A replaced by C.
Protein change: p.Thr155Pro; replaces threonine 155 with proline.
Molecular consequence: missense variant.
Genome position (GRCh38, 1-based): chr2:168,996,649, T>G on the plus strand (A>C on the coding strand, the complement: ABCB11 is on the minus strand). VCF-style: chr2-168996649-T-G. GRCh37 (hg19) VCF-style: chr2-169853159-T-G.
Other names: short protein forms T155P.
Identifiers: ClinVar variation 4846190 (VCV004846190.1).

ClinVar aggregate classification (germline): Uncertain significance (1 of 4 stars; one submission).

Conditions:
Familial intrahepatic cholestasis. Identifiers: Orphanet 284385, MedGen CN296401, MONDO:0017290.

Submission:

Genomenon, Inc
Classification: Uncertain significance for Familial intrahepatic cholestasis. Last evaluated: 2026-04-14. Review status: criteria provided, single submitter. Criteria: Genomenon Sequence Variant Interpretation Standards - Updated. Collection method: curation. Allele origin: germline. Affected: yes.
Comment: ABCB11 p.Thr155Pro (c.463A>C) is a missense variant that changes the amino acid at residue 155 from Threonine to Proline. This variant has been observed in at least one proband with an ABCB11-related disorder (PMID:39768432). The variant was found to segregate with disease in at least one affected family (PMID:39768432). It is absent or not present at a significant frequency in gnomAD. In conclusion, we classify ABCB11 p.Thr155Pro (c.463A>C) as a variant of uncertain significance.

Literature cited by the submitters: PubMed 39768432.